The following is an entry in ClinVar:

ClinVar aggregate classification (germline): Uncertain significance (1 of 4 stars; one submission).

Submission:

Labcorp Genetics (formerly Invitae), Labcorp
Classification: Uncertain significance. Last evaluated: 2022-05-19. Review status: criteria provided, single submitter. Criteria: Invitae Variant Classification Sherloc (09022015). Collection method: clinical testing. Allele origin: germline.
Comment: This variant is not present in population databases (gnomAD no frequency). In summary, the available evidence is currently insufficient to determine the role of this variant in disease. Therefore, it has been classified as a Variant of Uncertain Significance. Experimental studies and prediction algorithms are not available or were not evaluated, and the functional significance of this variant is currently unknown. This variant has not been reported in the literature in individuals affected with MSH3-related conditions. This variant, c.2139_2141del, results in the deletion of 1 amino acid(s) of the MSH3 protein (p.Lys714del), but otherwise preserves the integrity of the reading frame.

NM_002439.5(MSH3):c.2139_2141del (p.Lys714del)

Gene: MSH3 (mutS homolog 3; plus strand). Cytogenetic location: 5q14.1.
Variant type: Deletion.
Coding change: c.2139_2141del on transcript NM_002439.5 (MANE Select); coding-DNA positions 2139 to 2141, 3 bases deleted (AAA; older notation c.2139_2141delAAA).
Protein change: p.Lys714del; deletes lysine 714.
Molecular consequence: inframe deletion.
Genome position (GRCh38, 1-based): chr5:80,768,889-80,768,891, AAA deleted; deleting any 3 consecutive bases within chr5:80,768,886-80,768,891 gives the same sequence; the c. name uses the placement nearest the transcript's 3' end. VCF-style (leftmost placement, unchanged base first): chr5-80768885-TAAA-T. GRCh37 (hg19) VCF-style: chr5-80064704-TAAA-T.
Other names: short protein forms K714del.
Identifiers: ClinVar variation 1486008 (VCV001486008.8), dbSNP rs751236312, ClinGen allele CA2573139917.